The following is an entry in ClinVar:

ClinVar aggregate classification (germline): Uncertain significance (1 of 4 stars; one submission).

Conditions:
Inborn genetic diseases. Identifiers: MedGen C0950123, MeSH D030342.

Submission:

Ambry Genetics
Classification: Uncertain significance for Inborn genetic diseases. Last evaluated: 2022-09-15. Review status: criteria provided, single submitter. Criteria: Ambry Variant Classification Scheme 2023. Collection method: clinical testing. Allele origin: germline.
Comment: The c.1102A>G (p.K368E) alteration is located in exon 8 (coding exon 8) of the ZNF292 gene. This alteration results from a A to G substitution at nucleotide position 1102, causing the lysine (K) at amino acid position 368 to be replaced by a glutamic acid (E). This variant was not reported in population-based cohorts in the Genome Aggregation Database (gnomAD). This amino acid position is highly conserved in available vertebrate species. This alteration is predicted to be tolerated by in silico analysis. Based on insufficient or conflicting evidence, the clinical significance of this alteration remains unclear.

NM_015021.3(ZNF292):c.1102A>G (p.Lys368Glu)

Gene: ZNF292 (zinc finger protein 292; plus strand). Cytogenetic location: 6q14.3.
Variant type: single nucleotide variant.
Coding change: c.1102A>G on transcript NM_015021.3 (MANE Select); coding-DNA position 1102, A replaced by G.
Protein change: p.Lys368Glu; replaces lysine 368 with glutamic acid.
Molecular consequence: missense variant.
Genome position (GRCh38, 1-based): chr6:87,254,731, A>G. VCF-style: chr6-87254731-A-G. GRCh37 (hg19) VCF-style: chr6-87964449-A-G.
Other names: c.682A>G, p.Lys228Glu (NM_001351444.2); short protein forms K228E, K368E.
Identifiers: ClinVar variation 2306673 (VCV002306673.2), dbSNP rs2482283894, ClinGen allele CA364908182.